The following is an entry in ClinVar:

ClinVar aggregate classification (germline): Conflicting classifications of pathogenicity. Review status: criteria provided, conflicting classifications (1 of 4 stars). 2 submissions from 2 submitters: Uncertain significance (1); Likely benign (1). Last evaluated 2023-02-07.

Conditions:
Inborn genetic diseases. Identifiers: MedGen C0950123, MeSH D030342.
Autism spectrum disorder due to AUTS2 deficiency (MRD26). Also called: INTELLECTUAL DEVELOPMENTAL DISORDER, AUTOSOMAL DOMINANT 26. Identifiers: Orphanet 352490, MedGen C4014435, MONDO:0014361, OMIM 615834.

Allele frequency attached by ClinVar (database versions not stated): ExAC 0.00003; 1000 Genomes Project 0.00020; 1000 Genomes Project 30x 0.00031.
gnomAD v4.1: 10 of 1,612,472 alleles (0.00062%); highest among the groups gnomAD compares: East Asian, 0.016%; no homozygotes.

Submissions (2):

Ambry Genetics
Classification: Likely benign for Inborn genetic diseases. Last evaluated: 2023-02-07. Review status: criteria provided, single submitter. Criteria: Ambry Variant Classification Scheme 2023. Collection method: clinical testing. Allele origin: germline.

New York Genome Center
Classification: Uncertain significance for Autism spectrum disorder due to AUTS2 deficiency. Last evaluated: 2021-08-26. Review status: criteria provided, single submitter. Criteria: NYGC Assertion Criteria 2020. Collection method: clinical testing. Allele origin: inherited. Observed: 1 heterozygote. Study: CSER-NYCKidSeq.
Comment: The missense variant c.3008C>T, p.Ser1003Leu identified in the AUTS2 gene has not been reported in individuals with AUTS2-related disorder. This variant has three heterozygous alleles (0.002%) in gnomAD v3.1.1 suggesting it is not a common benign variant in the populations represented in this database. In silico tools predict conflicting evidence of pathogenicity. Based on the available evidence, missense variant c.3008C>T, p.Ser1003Leu in the AUTS2 gene is classified as a variant of uncertain significance.

NM_015570.4(AUTS2):c.3008C>T (p.Ser1003Leu)

Gene: AUTS2 (activator of transcription and developmental regulator AUTS2; plus strand). Cytogenetic location: 7q11.22.
Variant type: single nucleotide variant.
Coding change: c.3008C>T on transcript NM_015570.4 (MANE Select); coding-DNA position 3008, C replaced by T.
Protein change: p.Ser1003Leu; replaces serine 1003 with leucine.
Molecular consequence: missense variant.
Genome position (GRCh38, 1-based): chr7:70,790,224, C>T. VCF-style: chr7-70790224-C-T. GRCh37 (hg19) VCF-style: chr7-70255210-C-T.
Other names: c.2936C>T, p.Ser979Leu (NM_001127231.3); c.3008C>T (NM_015570.2); short protein forms S1003L, S979L.
Identifiers: ClinVar variation 1696667 (VCV001696667.3), dbSNP rs543645962, ClinGen allele CA4281240.
Genomic context (GRCh38, chr7:70,790,224, plus strand): 5'-AGGAGGAGCGGAAGGAAGACCATGACCTGCCTCCAGAGGCCCCGCAGACCCACCGGGCCT[C>T]GGAGCCGCCGCCTCCCAACTCCTCGTCCAGCGTGCACCCGGGGCCCCTGGCCTCGATGCC-3'
Protein context (NP_056385.1, residues 993-1013): PPEAPQTHRA[Ser1003Leu]EPPPPNSSSS